The following is an entry in ClinVar:

NM_001184900.3(CARD8):c.220G>A (p.Glu74Lys)

Gene: CARD8 (caspase recruitment domain family member 8; minus strand). Cytogenetic location: 19q13.33.
Variant type: single nucleotide variant.
Coding change: c.220G>A on transcript NM_001184900.3 (MANE Select); coding-DNA position 220, G replaced by A.
Protein change: p.Glu74Lys; replaces glutamic acid 74 with lysine.
Molecular consequence: missense variant. On other transcripts: 5 prime UTR variant (6), synonymous variant (1), non-coding transcript variant (4).
Genome position (GRCh38, 1-based): chr19:48,234,533, C>T on the plus strand (G>A on the coding strand, the complement: CARD8 is on the minus strand). VCF-style: chr19-48234533-C-T. GRCh37 (hg19) VCF-style: chr19-48737790-C-T.
Other names: c.70G>A, p.Glu24Lys (NM_001184901.1, NM_001351783.2, NM_001351788.2 and 2 more transcripts); c.220G>A, p.Glu74Lys (NM_001184902.2, NM_001184903.1, NM_001351782.2); c.-55G>A (NM_001351784.2, NM_001351787.2, NM_001351791.2 and 2 more transcripts); c.-269G>A (NM_001351786.2); c.18G>A, p.Gly6= (NM_001351790.2); short protein forms E24K, E74K.
Identifiers: ClinVar variation 1930080 (VCV001930080.5), dbSNP rs1386181686, ClinGen allele CA406647126.
Genomic context (GRCh38, chr19:48,234,533, plus strand): 5'-CATCATCTTCTTGGAAAAAATGTGAGATGTCACAAAGGGTCTCAGAAACACAGGGTAGCT[C>T]CCTGTATACCCTGGAAAACAACAACAGAATTTTTACTATGAATATAAGGTAGGTGCCTGA-3'
Protein context (NP_001171829.1, residues 64-84): ACVTNDTVYR[Glu74Lys]LPCVSETLCD

ClinVar aggregate classification (germline): Uncertain significance (1 of 4 stars; one submission).

Allele frequency attached by ClinVar (database versions not stated): gnomAD exomes below 0.00001; TOPMed below 0.00001; gnomAD 0.00001.
gnomAD v4.1: 3 of 1,611,964 alleles (0.00019%); highest among the groups gnomAD compares: Admixed American, 0.0051%; no homozygotes.

Submission:

Labcorp Genetics (formerly Invitae), Labcorp
Classification: Uncertain significance. Last evaluated: 2022-07-16. Review status: criteria provided, single submitter. Criteria: Invitae Variant Classification Sherloc (09022015). Collection method: clinical testing. Allele origin: germline.
Comment: In summary, the available evidence is currently insufficient to determine the role of this variant in disease. Therefore, it has been classified as a Variant of Uncertain Significance. Algorithms developed to predict the effect of missense changes on protein structure and function (SIFT, PolyPhen-2, Align-GVGD) all suggest that this variant is likely to be tolerated. This variant has not been reported in the literature in individuals affected with CARD8-related conditions. This variant is not present in population databases (gnomAD no frequency). This sequence change replaces glutamic acid, which is acidic and polar, with lysine, which is basic and polar, at codon 24 of the CARD8 protein (p.Glu24Lys).